The following is an entry in ClinVar:

NM_014915.3(ANKRD26):c.317T>G (p.Leu106Arg)

Gene: ANKRD26 (ankyrin repeat domain 26; minus strand). Cytogenetic location: 10p12.1.
Variant type: single nucleotide variant.
Coding change: c.317T>G on transcript NM_014915.3 (MANE Select); coding-DNA position 317, T replaced by G.
Protein change: p.Leu106Arg; replaces leucine 106 with arginine.
Molecular consequence: missense variant.
Genome position (GRCh38, 1-based): chr10:27,093,725, A>C on the plus strand (T>G on the coding strand, the complement: ANKRD26 is on the minus strand). VCF-style: chr10-27093725-A-C. GRCh37 (hg19) VCF-style: chr10-27382654-A-C.
Other names: c.317T>G, p.Leu106Arg (NM_001256053.2); short protein forms L106R.
Identifiers: ClinVar variation 2584988 (VCV002584988.1), dbSNP rs2539291620, ClinGen allele CA376368522.

ClinVar aggregate classification (germline): Uncertain significance (1 of 4 stars; one submission).

Conditions:
Thrombocytopenia 2 (THC2). Also called: ANKRD26-Related Thrombocytopenia. Identifiers: Orphanet 268322, MedGen C1861185, MONDO:0008555, OMIM 188000.

Submission:

Neuberg Centre For Genomic Medicine, NCGM
Classification: Uncertain significance for Thrombocytopenia 2. Review status: criteria provided, single submitter. Criteria: ACMG Guidelines, 2015. Collection method: clinical testing. Allele origin: germline. Inheritance: Autosomal dominant inheritance. Affected: yes.
Comment: The missense variant c.317T>G (p.Leu106Arg) in ANKRD26 gene has not been reported previously as a pathogenic variant nor as a benign variant, to our knowledge. The p.Leu106Arg variant is novel (not in any individuals) in gnomAD Exomes and 1000 Genomes. This variant has not been reported to the ClinVar database. The amino acid Leu at position 106 is changed to a Arg changing protein sequence and it might alter its composition and physico-chemical properties. The amino acid change p.Leu106Arg in ANKRD26 is predicted as conserved by GERP++ and PhyloP across 100 vertebrates. For these reasons, this variant has been classified as Uncertain Significance(VUS).